The following is an entry in ClinVar:

ClinVar aggregate classification (germline): Uncertain significance. Review status: criteria provided, multiple submitters, no conflicts (2 of 4 stars). 2 submissions from 2 submitters: Uncertain significance (2). Last evaluated 2025-02-13.

Conditions:
Heterotaxy, visceral, 4, autosomal (HTX4). Identifiers: Orphanet 450, MedGen C3151057, MONDO:0013403, OMIM 613751.

Allele frequency attached by ClinVar (database versions not stated): gnomAD 0.00001.
gnomAD v4.1: 1 of 1,614,010 alleles (0.000062%); highest among the groups gnomAD compares: Non-Finnish European, 0.000085%; no homozygotes.

Submissions (2):

Ambry Genetics
Classification: Uncertain significance. Last evaluated: 2025-02-13. Review status: criteria provided, single submitter. Criteria: Ambry Variant Classification Scheme 2023. Collection method: clinical testing. Allele origin: germline.

Labcorp Genetics (formerly Invitae), Labcorp
Classification: Uncertain significance for Heterotaxy, visceral, 4, autosomal. Last evaluated: 2022-02-03. Review status: criteria provided, single submitter. Criteria: Invitae Variant Classification Sherloc (09022015). Collection method: clinical testing. Allele origin: germline.
Comment: This sequence change replaces valine, which is neutral and non-polar, with leucine, which is neutral and non-polar, at codon 185 of the ACVR2B protein (p.Val185Leu). This variant is present in population databases (no rsID available, gnomAD 0.007%). This variant has not been reported in the literature in individuals affected with ACVR2B-related conditions. Advanced modeling of protein sequence and biophysical properties (such as structural, functional, and spatial information, amino acid conservation, physicochemical variation, residue mobility, and thermodynamic stability) performed at Invitae indicates that this missense variant is not expected to disrupt ACVR2B protein function. In summary, the available evidence is currently insufficient to determine the role of this variant in disease. Therefore, it has been classified as a Variant of Uncertain Significance.

NM_001106.4(ACVR2B):c.553G>T (p.Val185Leu)

Gene: ACVR2B (activin A receptor type 2B; plus strand). Cytogenetic location: 3p22.2.
Variant type: single nucleotide variant.
Coding change: c.553G>T on transcript NM_001106.4 (MANE Select); coding-DNA position 553, G replaced by T.
Protein change: p.Val185Leu; replaces valine 185 with leucine.
Molecular consequence: missense variant.
Genome position (GRCh38, 1-based): chr3:38,478,405, G>T. VCF-style: chr3-38478405-G-T. GRCh37 (hg19) VCF-style: chr3-38519896-G-T.
Other names: c.553G>T (NM_001106.3); short protein forms V185L.
Identifiers: ClinVar variation 2142192 (VCV002142192.5), dbSNP rs1279855513, ClinGen allele CA352130174.